The following is an entry in ClinVar:

ClinVar aggregate classification (germline): Likely benign. Review status: criteria provided, multiple submitters, no conflicts (2 of 4 stars). 3 submissions from 3 submitters: Likely benign (2). 1 of the submissions does not count toward it. Last evaluated 2025-06-09.

Conditions:
SEC61A1-related disorder. Also called: SEC61A1-related condition.

Submissions (3):

Labcorp Genetics (formerly Invitae), Labcorp
Classification: Likely benign. Last evaluated: 2025-06-09. Review status: criteria provided, single submitter. Criteria: Invitae Variant Classification Sherloc (09022015). Collection method: clinical testing. Allele origin: germline.

Blueprint Genetics
Classification: Likely benign. Last evaluated: 2022-08-09. Review status: criteria provided, single submitter. Criteria: ACMG Guidelines, 2015. Collection method: clinical testing. Allele origin: germline.

PreventionGenetics, part of Exact Sciences
Classification: Likely benign for SEC61A1-related condition. Last evaluated: 2019-08-29. Review status: no assertion criteria provided. Collection method: clinical testing. Allele origin: germline. Not counted in ClinVar's aggregate classification.
Comment: This variant is classified as likely benign based on ACMG/AMP sequence variant interpretation guidelines (Richards et al. 2015 PMID: 25741868, with internal and published modifications).

NM_013336.4(SEC61A1):c.353-8_353-4del

Gene: SEC61A1 (SEC61 translocon subunit alpha 1; plus strand). Cytogenetic location: 3q21.3.
Variant type: Deletion.
Coding change: c.353-8_353-4del on transcript NM_013336.4 (MANE Select); 8 bases into the intron before coding-DNA position 353 through 4 bases into the intron before coding-DNA position 353, 5 bases deleted (AATTC; older notation c.353-8_353-4delAATTC).
Molecular consequence: intron variant.
Genome position (GRCh38, 1-based): chr3:128,060,094-128,060,098, AATTC deleted; deleting any 5 consecutive bases within chr3:128,060,091-128,060,098 gives the same sequence; the c. name uses the placement nearest the transcript's 3' end. VCF-style (leftmost placement, unchanged base first): chr3-128060090-TTTCAA-T. GRCh37 (hg19) VCF-style: chr3-127778933-TTTCAA-T.
Other names: c.353-8_353-4del5 (NM_013336.3).
Identifiers: ClinVar variation 1594167 (VCV001594167.11), dbSNP rs773696947, ClinGen allele CA2598384.